The following is an entry in ClinVar:

ClinVar aggregate classification (germline): Likely pathogenic. Review status: criteria provided, multiple submitters, no conflicts (2 of 4 stars). 2 submissions from 2 submitters: Likely pathogenic (2). Last evaluated 2024-06-05.

Conditions:
Early-infantile DEE. Also called: Ohtahara syndrome; Early infantile epileptic encephalopathy with suppression bursts; Early infantile epileptic encephalopathy. Identifiers: Orphanet 1934, MedGen C0393706, MONDO:0800491.

Allele frequency attached by ClinVar (database versions not stated): gnomAD exomes below 0.00001.
gnomAD v4.1: 2 of 1,606,952 alleles (0.00012%); highest among the groups gnomAD compares: Non-Finnish European, 0.00017%; no homozygotes.

Submissions (2):

Labcorp Genetics (formerly Invitae), Labcorp
Classification: Likely pathogenic for Early-infantile DEE. Last evaluated: 2024-06-05. Review status: criteria provided, single submitter. Criteria: Invitae Variant Classification Sherloc (09022015). Collection method: clinical testing. Allele origin: germline.
Comment: This sequence change replaces leucine, which is neutral and non-polar, with phenylalanine, which is neutral and non-polar, at codon 139 of the SCN1A protein (p.Leu139Phe). This variant is not present in population databases (gnomAD no frequency). This missense change has been observed in individuals with clinical features of SCN1A-related conditions (Invitae). ClinVar contains an entry for this variant (Variation ID: 842887). Advanced modeling of protein sequence and biophysical properties (such as structural, functional, and spatial information, amino acid conservation, physicochemical variation, residue mobility, and thermodynamic stability) performed at Invitae indicates that this missense variant is expected to disrupt SCN1A protein function with a positive predictive value of 95%. In summary, the currently available evidence indicates that the variant is pathogenic, but additional data are needed to prove that conclusively. Therefore, this variant has been classified as Likely Pathogenic.

GeneDx
Classification: Likely pathogenic. Last evaluated: 2023-05-11. Review status: criteria provided, single submitter. Criteria: GeneDx Variant Classification Process June 2021. Collection method: clinical testing. Allele origin: germline. Affected: yes.
Comment: Missense variants in this gene are often considered pathogenic (HGMD); This substitution is predicted to be within the transmembrane segment S1 of the first homologous domain; In silico analysis supports that this missense variant has a deleterious effect on protein structure/function; Not observed at significant frequency in large population cohorts (gnomAD); Has not been previously published as pathogenic or benign to our knowledge

NM_001165963.4(SCN1A):c.417G>C (p.Leu139Phe)

Gene: SCN1A (sodium voltage-gated channel alpha subunit 1; minus strand). Cytogenetic location: 2q24.3.
Variant type: single nucleotide variant.
Coding change: c.417G>C on transcript NM_001165963.4 (MANE Select); coding-DNA position 417, G replaced by C.
Protein change: p.Leu139Phe; replaces leucine 139 with phenylalanine.
Molecular consequence: missense variant. On other transcripts: 5 prime UTR variant (1), non-coding transcript variant (1).
Genome position (GRCh38, 1-based): chr2:166,056,467, C>G on the plus strand (G>C on the coding strand, the complement: SCN1A is on the minus strand). VCF-style: chr2-166056467-C-G. GRCh37 (hg19) VCF-style: chr2-166912977-C-G.
Other names: c.417G>C, p.Leu139Phe (NM_001165964.3, NM_001202435.3, NM_001353948.2 and 10 more transcripts); c.-2009G>C (NM_001353961.2); short protein forms L139F.
Identifiers: ClinVar variation 842887 (VCV000842887.9), dbSNP rs1699149959, ClinGen allele CA349076039.